The following is an entry in ClinVar:

ClinVar aggregate classification (germline): Pathogenic (1 of 4 stars; one submission).

Submission:

GeneDx
Classification: Pathogenic. Last evaluated: 2018-07-26. Review status: criteria provided, single submitter. Criteria: GeneDx Variant Classification (06012015). Collection method: clinical testing. Allele origin: germline. Affected: yes.
Comment: The c.2906delA variant in the FLG gene has not been reported previously as a pathogenic variant nor as a benign variant, to our knowledge. The c.2906delA variant causes a frameshift starting with codon Asparagine 969, changes this amino acid to a Threonine residue, and creates a premature Stop codon at position 153 of the new reading frame, denoted p.Asn969ThrfsX153. This variant is predicted to cause loss of normal protein function through protein truncation. The c.2906delA variant is not observed in large population cohorts (Lek et al., 2016; 1000 Genomes Consortium et al., 2015; Exome Variant Server). We interpret c.2906delA as a pathogenic variant.

NM_002016.2(FLG):c.2906del (p.Asn969fs)

Genes: FLG (filaggrin; minus strand), FLG-AS1 (FLG antisense RNA 1; plus strand). Cytogenetic location: 1q21.3.
Variant type: Deletion.
Coding change: c.2906del on transcript NM_002016.2 (MANE Select); coding-DNA position 2906, one base deleted (A; older notation c.2906delA).
Protein change: p.Asn969fs; shifts the reading frame from asparagine 969.
Molecular consequence: frameshift variant.
Genome position (GRCh38, 1-based): chr1:152,311,980, T deleted on the plus strand (A on the coding strand, the reverse complement: FLG is on the minus strand); the first of 3 consecutive T bases (chr1:152,311,980-152,311,982); deleting any one gives the same sequence. VCF-style (leftmost placement, unchanged base first): chr1-152311979-GT-G. GRCh37 (hg19) VCF-style: chr1-152284455-GT-G.
Other names: c.2906delA (NM_002016.1); short protein forms N969fs.
Identifiers: ClinVar variation 423169 (VCV000423169.2), dbSNP rs1064796274, ClinGen allele CA16616976.